The following is an entry in ClinVar:

ClinVar aggregate classification (germline): Uncertain significance (1 of 4 stars; one submission).

Submission:

Labcorp Genetics (formerly Invitae), Labcorp
Classification: Uncertain significance. Last evaluated: 2025-02-10. Review status: criteria provided, single submitter. Criteria: Invitae Variant Classification Sherloc (09022015). Collection method: clinical testing. Allele origin: germline.
Comment: This sequence change falls in intron 101 of the COL7A1 gene. It does not directly change the encoded amino acid sequence of the COL7A1 protein. It affects a nucleotide within the consensus splice site. This variant is not present in population databases (gnomAD no frequency). This variant has not been reported in the literature in individuals affected with COL7A1-related conditions. Variants that disrupt the consensus splice site are a relatively common cause of aberrant splicing (PMID: 17576681, 9536098). Algorithms developed to predict the effect of sequence changes on RNA splicing suggest that this variant is not likely to affect RNA splicing. In summary, the available evidence is currently insufficient to determine the role of this variant in disease. Therefore, it has been classified as a Variant of Uncertain Significance.

Literature cited by the submitters: PubMed 17576681; PubMed 9536098.

NM_000094.4(COL7A1):c.7615-3C>T

Gene: COL7A1 (collagen type VII alpha 1 chain; minus strand). Cytogenetic location: 3p21.31.
Variant type: single nucleotide variant.
Coding change: c.7615-3C>T on transcript NM_000094.4 (MANE Select); 3 bases into the intron before coding-DNA position 7615, C replaced by T.
Molecular consequence: intron variant.
Genome position (GRCh38, 1-based): chr3:48,569,449, G>A on the plus strand (C>T on the coding strand, the complement: COL7A1 is on the minus strand). VCF-style: chr3-48569449-G-A. GRCh37 (hg19) VCF-style: chr3-48606882-G-A.
Identifiers: ClinVar variation 4805676 (VCV004805676.1).